The following is an entry in ClinVar:

ClinVar aggregate classification (germline): Uncertain significance (1 of 4 stars; one submission).

Conditions:
KSR2-related disorder. Also called: KSR2-related condition.

Submission:

PreventionGenetics, part of Exact Sciences
Classification: Uncertain significance for KSR2-related condition. Last evaluated: 2026-08-05. Review status: criteria provided, single submitter. Criteria: ACMG Guidelines, 2015. Collection method: clinical testing. Allele origin: germline.
Comment: The KSR2 c.1262C>A variant is predicted to result in the amino acid substitution p.Thr421Asn. To our knowledge, this variant has not been reported in the literature or in a large population database (gnomAD), indicating this variant is rare. At this time, the clinical significance of this variant is uncertain due to the absence of conclusive functional and genetic evidence.

NM_173598.6(KSR2):c.1349C>A (p.Thr450Asn)

Gene: KSR2 (kinase suppressor of ras 2; minus strand). Cytogenetic location: 12q24.22.
Variant type: single nucleotide variant.
Coding change: c.1349C>A on transcript NM_173598.6 (MANE Select); coding-DNA position 1349, C replaced by A.
Protein change: p.Thr450Asn; replaces threonine 450 with asparagine.
Molecular consequence: missense variant.
Genome position (GRCh38, 1-based): chr12:117,558,550, G>T on the plus strand (C>A on the coding strand, the complement: KSR2 is on the minus strand). VCF-style: chr12-117558550-G-T. GRCh37 (hg19) VCF-style: chr12-117996355-G-T.
Other names: short protein forms T450N.
Identifiers: ClinVar variation 4997131 (VCV004997131.1).
Genomic context (GRCh38, chr12:117,558,550, plus strand): 5'-AGTGTTAAATAGTTACCTCCTCGGTGGATGATCAGAAGATGACAGGGTGGGGCTTCTTTG[G>T]TGCATTTGTTGTGGCACTTTAACCTGAGAAAGATAAAGAGAGAGAAAGATGGATAGGTGA-3'
Protein context (NP_775869.4, residues 440-460): NCKLKCHNKC[Thr450Asn]KEAPPCHLLI